The following is an entry in ClinVar:

NM_014698.3(TMEM63A):c.498C>T (p.Leu166=)

Gene: TMEM63A (transmembrane protein 63A; minus strand). Cytogenetic location: 1q42.12.
Variant type: single nucleotide variant.
Coding change: c.498C>T on transcript NM_014698.3 (MANE Select); coding-DNA position 498, C replaced by T.
Protein change: p.Leu166=; no amino-acid change (leucine 166 retained).
Molecular consequence: synonymous variant.
Genome position (GRCh38, 1-based): chr1:225,867,904, G>A on the plus strand (C>T on the coding strand, the complement: TMEM63A is on the minus strand). VCF-style: chr1-225867904-G-A. GRCh37 (hg19) VCF-style: chr1-226055604-G-A.
Identifiers: ClinVar variation 2639965 (VCV002639965.24), dbSNP rs116512693, ClinGen allele CA1419552.

ClinVar aggregate classification (germline): Likely benign (1 of 4 stars; one submission).

Allele frequency attached by ClinVar (database versions not stated): gnomAD exomes 0.00003; ExAC 0.00010; 1000 Genomes Project 0.00020; TOPMed 0.00023; gnomAD 0.00024; 1000 Genomes Project 30x 0.00031; ESP Exome Variant Server 0.00062.
gnomAD v4.1: 79 of 1,614,172 alleles (0.0049%); highest among the groups gnomAD compares: African/African-American, 0.099%; no homozygotes.

Submission:

CeGaT Center for Human Genetics Tuebingen
Classification: Likely benign. Last evaluated: 2022-07-01. Review status: criteria provided, single submitter. Criteria: CeGaT Center For Human Genetics Tuebingen Variant Classification Criteria Version 2. Collection method: clinical testing. Allele origin: germline. Affected: yes. Observed: 1 variant allele.
Comment: TMEM63A: BP4, BP7